The following is an entry in ClinVar:

NM_198994.3(TGM6):c.1059G>C (p.Gln353His)

Gene: TGM6 (transglutaminase 6; plus strand). Cytogenetic location: 20p13.
Variant type: single nucleotide variant.
Coding change: c.1059G>C on transcript NM_198994.3 (MANE Select); coding-DNA position 1059, G replaced by C.
Protein change: p.Gln353His; replaces glutamine 353 with histidine.
Molecular consequence: missense variant.
Genome position (GRCh38, 1-based): chr20:2,403,466, G>C. VCF-style: chr20-2403466-G-C. GRCh37 (hg19) VCF-style: chr20-2384112-G-C.
Other names: c.1059G>C, p.Gln353His (NM_001254734.2); short protein forms Q353H.
Identifiers: ClinVar variation 2732415 (VCV002732415.3), dbSNP rs2084725695, ClinGen allele CA408012374.

ClinVar aggregate classification (germline): Uncertain significance (1 of 4 stars; one submission).

Submission:

Labcorp Genetics (formerly Invitae), Labcorp
Classification: Uncertain significance. Last evaluated: 2023-10-03. Review status: criteria provided, single submitter. Criteria: Invitae Variant Classification Sherloc (09022015). Collection method: clinical testing. Allele origin: germline.
Comment: This sequence change replaces glutamine, which is neutral and polar, with histidine, which is basic and polar, at codon 353 of the TGM6 protein (p.Gln353His). This variant is not present in population databases (gnomAD no frequency). This variant has not been reported in the literature in individuals affected with TGM6-related conditions. Advanced modeling of protein sequence and biophysical properties (such as structural, functional, and spatial information, amino acid conservation, physicochemical variation, residue mobility, and thermodynamic stability) performed at Invitae indicates that this missense variant is expected to disrupt TGM6 protein function. In summary, the available evidence is currently insufficient to determine the role of this variant in disease. Therefore, it has been classified as a Variant of Uncertain Significance.